The following is an entry in ClinVar:

ClinVar aggregate classification (germline): Uncertain significance. Review status: criteria provided, multiple submitters, no conflicts (2 of 4 stars). 3 submissions from 3 submitters: Uncertain significance (3). Last evaluated 2025-12-16.

Conditions:
Familial hypokalemia-hypomagnesemia (GTLMNS). Also called: gitelman syndrome; HYPOMAGNESEMIA-HYPOKALEMIA, PRIMARY RENOTUBULAR, WITH HYPOCALCIURIA; POTASSIUM AND MAGNESIUM DEPLETION. Identifiers: Orphanet 358, MedGen C0268450, MONDO:0009904, OMIM 263800.

Allele frequency attached by ClinVar (database versions not stated): gnomAD exomes 0.00002 and 0.00003; gnomAD 0.00004 and 0.00003; ExAC 0.00002; TOPMed 0.00006.
gnomAD v4.1: 46 of 1,613,926 alleles (0.0029%); highest among the groups gnomAD compares: South Asian, 0.0066%; no homozygotes.

Submissions (3):

Women's Health and Genetics/Laboratory Corporation of America, LabCorp
Classification: Uncertain significance. Last evaluated: 2025-12-16. Review status: criteria provided, single submitter. Criteria: LabCorp Variant Classification Summary - May 2015. Collection method: clinical testing. Allele origin: germline.
Comment: Variant summary: SLC12A3 c.2152C>T (p.Arg718Cys) results in a non-conservative amino acid change in the encoded protein sequence. Algorithms developed to predict the effect of missense changes on protein structure and function all suggest that this variant is likely to be disruptive. The variant allele was found at a frequency of 2e-05 in 251220 control chromosomes. The available data on variant occurrences in the general population are insufficient to allow any conclusion about variant significance. To our knowledge, no occurrence of c.2152C>T in individuals affected with SLC12A3-related conditions and no experimental evidence demonstrating its impact on protein function have been reported. ClinVar contains an entry for this variant (Variation ID: 1304023). Based on the evidence outlined above, the variant was classified as uncertain significance.

Fulgent Genetics
Classification: Uncertain significance for Familial hypokalemia-hypomagnesemia. Last evaluated: 2024-04-18. Review status: criteria provided, single submitter. Criteria: ACMG Guidelines, 2015. Collection method: clinical testing. Allele origin: germline.

GeneDx
Classification: Uncertain significance. Last evaluated: 2021-02-11. Review status: criteria provided, single submitter. Criteria: GeneDx Variant Classification Process June 2021. Collection method: clinical testing. Allele origin: germline. Affected: yes.
Comment: In silico analysis supports that this missense variant has a deleterious effect on protein structure/function; Has not been previously published as pathogenic or benign to our knowledge

NM_001126108.2(SLC12A3):c.2152C>T (p.Arg718Cys)

Gene: SLC12A3 (solute carrier family 12 member 3; plus strand). Cytogenetic location: 16q13.
Variant type: single nucleotide variant.
Coding change: c.2152C>T on transcript NM_001126108.2 (MANE Select); coding-DNA position 2152, C replaced by T.
Protein change: p.Arg718Cys; replaces arginine 718 with cysteine.
Molecular consequence: missense variant.
Genome position (GRCh38, 1-based): chr16:56,887,067, C>T. VCF-style: chr16-56887067-C-T. GRCh37 (hg19) VCF-style: chr16-56920979-C-T.
Other names: c.2152C>T, p.Arg718Cys (NM_000339.3); c.2149C>T, p.Arg717Cys (NM_001126107.2); short protein forms R717C, R718C.
Identifiers: ClinVar variation 1304023 (VCV001304023.4), dbSNP rs777342064, ClinGen allele CA8069750.